The following is an entry in ClinVar:

NM_023110.3(FGFR1):c.2049-1G>A

Gene: FGFR1 (fibroblast growth factor receptor 1; minus strand). Cytogenetic location: 8p11.23.
Variant type: single nucleotide variant.
Coding change: c.2049-1G>A on transcript NM_023110.3 (MANE Select); the canonical splice acceptor site of the intron before coding-DNA position 2049, G replaced by A.
Molecular consequence: splice acceptor variant.
Genome position (GRCh38, 1-based): chr8:38,414,290, C>T on the plus strand (G>A on the coding strand, the complement: FGFR1 is on the minus strand). VCF-style: chr8-38414290-C-T. GRCh37 (hg19) VCF-style: chr8-38271808-C-T.
Other names: c.1770-1G>A (NM_001354368.2); c.1776-1G>A (NM_001354370.2, NM_023106.3); c.1782-1G>A (NM_023105.3, NM_001174066.2); c.2043-1G>A (NM_001354367.2, NM_015850.4, NM_001174063.2 and 1 more transcripts); c.2019-1G>A (NM_001174064.2); c.2037-1G>A (NM_001354369.2, NM_001410922.1); c.2142-1G>A (NM_001174067.2).
Identifiers: ClinVar variation 2925434 (VCV002925434.3), dbSNP rs2150537863, ClinGen allele CA370729203.

ClinVar aggregate classification (germline): Likely pathogenic (1 of 4 stars; one submission).

Conditions:
Pfeiffer syndrome (ACS5). Also called: ACS V. Identifiers: Orphanet 710, MedGen C0220658, MONDO:0007043, OMIM 101600.
Hypogonadotropic hypogonadism 2 with or without anosmia (HH2). Also called: HYPOGONADOTROPIC HYPOGONADISM 2 WITH OR WITHOUT ANOSMIA, SUSCEPTIBILITY TO; HYPOGONADOTROPIC HYPOGONADISM 2 WITHOUT ANOSMIA, SUSCEPTIBILITY TO; FGFR1-Related GnRH Deficiency (Kallmann Syndrome 2); HYPOGONADOTROPIC HYPOGONADISM 2 WITHOUT ANOSMIA. Identifiers: Orphanet 478, MedGen C1563720, MONDO:0007844, OMIM 147950. Disease mechanism: loss of function.

Submission:

Labcorp Genetics (formerly Invitae), Labcorp
Classification: Likely pathogenic for Pfeiffer syndrome; Hypogonadotropic hypogonadism 2 with or without anosmia. Last evaluated: 2023-08-17. Review status: criteria provided, single submitter. Criteria: Invitae Variant Classification Sherloc (09022015). Collection method: clinical testing. Allele origin: germline.
Comment: In summary, the currently available evidence indicates that the variant is pathogenic, but additional data are needed to prove that conclusively. Therefore, this variant has been classified as Likely Pathogenic. This variant disrupts a region of the FGFR1 protein in which other variant(s) (p.Gly703Ser) have been observed in individuals with FGFR1-related conditions (PMID: 16764984). This suggests that this is a clinically significant region of the protein, and that variants that disrupt it are likely to be disease-causing. Studies have shown that disruption of this splice site results in skipping of exon 16, but is expected to preserve the integrity of the reading-frame (PMID: 20079901). Disruption of this splice site has been observed in individuals with idiopathic hypogonadotropic hypogonadism and/or Kallmann syndrome (PMID: 20079901, 25077900). This variant is not present in population databases (gnomAD no frequency). This sequence change affects an acceptor splice site in intron 15 of the FGFR1 gene. RNA analysis indicates that disruption of this splice site induces altered splicing and likely results in a shortened protein product.

Literature cited by the submitters: PubMed 16764984; PubMed 20079901; PubMed 25077900.